The following is an entry in ClinVar:

NM_001036.6(RYR3):c.1791T>A (p.Val597=)

Gene: RYR3 (ryanodine receptor 3; plus strand). Cytogenetic location: 15q14.
Variant type: single nucleotide variant.
Coding change: c.1791T>A on transcript NM_001036.6 (MANE Select); coding-DNA position 1791, T replaced by A.
Protein change: p.Val597=; no amino-acid change (valine 597 retained).
Molecular consequence: synonymous variant.
Genome position (GRCh38, 1-based): chr15:33,601,421, T>A. VCF-style: chr15-33601421-T-A. GRCh37 (hg19) VCF-style: chr15-33893622-T-A.
Other names: c.1791T>A, p.Val597= (NM_001243996.4).
Identifiers: ClinVar variation 3032852 (VCV003032852.2), dbSNP rs1269016605, ClinGen allele CA489391554.

ClinVar aggregate classification (germline): Likely benign (0 of 4 stars; one submission).

Conditions:
RYR3-related disorder. Also called: RYR3-related condition.

Allele frequency attached by ClinVar (database versions not stated): gnomAD 0.00001; gnomAD exomes 0.00001; TOPMed 0.00001.
gnomAD v4.1: 19 of 1,612,160 alleles (0.0012%); highest among the groups gnomAD compares: Non-Finnish European, 0.0015%; no homozygotes.

Submission:

PreventionGenetics, part of Exact Sciences
Classification: Likely benign for RYR3-related condition. Last evaluated: 2024-02-22. Review status: no assertion criteria provided. Collection method: clinical testing. Allele origin: germline.
Comment: This variant is classified as likely benign based on ACMG/AMP sequence variant interpretation guidelines (Richards et al. 2015 PMID: 25741868, with internal and published modifications).